The following is an entry in ClinVar:

ClinVar aggregate classification (germline): Uncertain significance. Review status: criteria provided, multiple submitters, no conflicts (2 of 4 stars). 2 submissions from 2 submitters: Uncertain significance (2). Last evaluated 2025-07-09.

Allele frequency attached by ClinVar (database versions not stated): ExAC 0.00001; gnomAD 0.00001; gnomAD exomes 0.00001.
gnomAD v4.1: 9 of 1,613,918 alleles (0.00056%); highest among the groups gnomAD compares: East Asian, 0.0067%; no homozygotes.

Submissions (2):

Labcorp Genetics (formerly Invitae), Labcorp
Classification: Uncertain significance. Last evaluated: 2025-07-09. Review status: criteria provided, single submitter. Criteria: Invitae Variant Classification Sherloc (09022015). Collection method: clinical testing. Allele origin: germline.
Comment: This sequence change replaces asparagine, which is neutral and polar, with serine, which is neutral and polar, at codon 1432 of the RP1 protein (p.Asn1432Ser). This variant is present in population databases (rs374207818, gnomAD 0.01%). This variant has not been reported in the literature in individuals affected with RP1-related conditions. ClinVar contains an entry for this variant (Variation ID: 941136). An algorithm developed to predict the effect of missense changes on protein structure and function outputs the following: PolyPhen-2: "Benign". The serine amino acid residue is found in multiple mammalian species, which suggests that this missense change does not adversely affect protein function. In summary, the available evidence is currently insufficient to determine the role of this variant in disease. Therefore, it has been classified as a Variant of Uncertain Significance.

Blueprint Genetics
Classification: Uncertain significance. Last evaluated: 2020-04-02. Review status: criteria provided, single submitter. Criteria: ACMG Guidelines, 2015. Collection method: clinical testing. Allele origin: germline.

NM_006269.2(RP1):c.4295A>G (p.Asn1432Ser)

Gene: RP1 (RP1 axonemal microtubule associated; plus strand). Cytogenetic location: 8q12.1.
Variant type: single nucleotide variant.
Coding change: c.4295A>G on transcript NM_006269.2 (MANE Select); coding-DNA position 4295, A replaced by G.
Protein change: p.Asn1432Ser; replaces asparagine 1432 with serine.
Molecular consequence: missense variant. On other transcripts: intron variant (1).
Genome position (GRCh38, 1-based): chr8:54,628,177, A>G. VCF-style: chr8-54628177-A-G. GRCh37 (hg19) VCF-style: chr8-55540737-A-G.
Other names: c.787+5889A>G (NM_001375654.1); short protein forms N1432S.
Identifiers: ClinVar variation 941136 (VCV000941136.10), dbSNP rs374207818, ClinGen allele CA4751839.
Genomic context (GRCh38, chr8:54,628,177, plus strand): 5'-AGAAACATAGTTCTCTAGATGATTTTGAAAATTGTTCACTAAGGAAGTTTCAGGATGAAA[A>G]TGCATATACTTCCTTTGATATGGAAGAACCACGGACTTCTGAAGAACCAGGCTCAATAAC-3'
Protein context (NP_006260.1, residues 1422-1442): NCSLRKFQDE[Asn1432Ser]AYTSFDMEEP